The following is an entry in ClinVar:

NM_001330078.2(NRXN1):c.1531A>G (p.Thr511Ala)

Gene: NRXN1 (neurexin 1; minus strand). Cytogenetic location: 2p16.3.
Variant type: single nucleotide variant.
Coding change: c.1531A>G on transcript NM_001330078.2 (MANE Select); coding-DNA position 1531, A replaced by G.
Protein change: p.Thr511Ala; replaces threonine 511 with alanine.
Molecular consequence: missense variant.
Genome position (GRCh38, 1-based): chr2:50,552,815, T>C on the plus strand (A>G on the coding strand, the complement: NRXN1 is on the minus strand). VCF-style: chr2-50552815-T-C. GRCh37 (hg19) VCF-style: chr2-50779953-T-C.
Other names: c.1651A>G, p.Thr551Ala (NM_001135659.3); c.1507A>G, p.Thr503Ala (NM_001330077.2, NM_001330082.2, NM_001330095.2); c.1492A>G, p.Thr498Ala (NM_001330083.2, NM_001330084.2); c.1531A>G, p.Thr511Ala (NM_001330085.2, NM_001330086.2, NM_004801.6); c.1447A>G, p.Thr483Ala (NM_001330087.2, NM_001330096.2); c.1477A>G, p.Thr493Ala (NM_001330088.2); c.1528A>G, p.Thr510Ala (NM_001330093.2); c.1519A>G, p.Thr507Ala (NM_001330094.2); short protein forms T551A, T493A, T510A, T483A, T503A, T511A, T498A, T507A.
Identifiers: ClinVar variation 193623 (VCV000193623.8), dbSNP rs794726985, ClinGen allele CA239189.

ClinVar aggregate classification (germline): Uncertain significance. Review status: criteria provided, multiple submitters, no conflicts (2 of 4 stars). 2 submissions from 2 submitters: Uncertain significance (2). Last evaluated 2023-11-12.

Conditions:
Pitt-Hopkins-like syndrome 2 (PTHSL2). Identifiers: Orphanet 221150, Orphanet 600663, MedGen C3280479, MONDO:0013690, OMIM 614325.

Submissions (2):

Labcorp Genetics (formerly Invitae), Labcorp
Classification: Uncertain significance for Pitt-Hopkins-like syndrome 2. Last evaluated: 2023-11-12. Review status: criteria provided, single submitter. Criteria: Invitae Variant Classification Sherloc (09022015). Collection method: clinical testing. Allele origin: germline.
Comment: This sequence change replaces threonine, which is neutral and polar, with alanine, which is neutral and non-polar, at codon 551 of the NRXN1 protein (p.Thr551Ala). This variant is not present in population databases (gnomAD no frequency). This variant has not been reported in the literature in individuals affected with NRXN1-related conditions. ClinVar contains an entry for this variant (Variation ID: 193623). An algorithm developed to predict the effect of missense changes on protein structure and function (PolyPhen-2) suggests that this variant is likely to be disruptive. In summary, the available evidence is currently insufficient to determine the role of this variant in disease. Therefore, it has been classified as a Variant of Uncertain Significance.

Eurofins Ntd Llc (ga)
Classification: Uncertain significance. Last evaluated: 2015-02-05. Review status: criteria provided, single submitter. Criteria: EGL Classification Definitions 2015. Collection method: clinical testing. Allele origin: germline. Observed: 1 variant allele, 1 heterozygote.